The following is an entry in ClinVar:

ClinVar aggregate classification (germline): Uncertain significance. Review status: criteria provided, multiple submitters, no conflicts (2 of 4 stars). 2 submissions from 2 submitters: Uncertain significance (2). Last evaluated 2021-04-13.

Conditions:
RASopathy. Also called: rasopathies; Noonan spectrum disorder. Identifiers: Orphanet 536391, MedGen C5555857, MONDO:0021060.

Submissions (2):

Labcorp Genetics (formerly Invitae), Labcorp
Classification: Uncertain significance for RASopathy. Last evaluated: 2021-04-13. Review status: criteria provided, single submitter. Criteria: Invitae Variant Classification Sherloc (09022015). Collection method: clinical testing. Allele origin: germline.
Comment: This variant is not present in population databases (ExAC no frequency). This sequence change replaces serine with proline at codon 323 of the BRAF protein (p.Ser323Pro). The serine residue is highly conserved and there is a moderate physicochemical difference between serine and proline. In summary, the available evidence is currently insufficient to determine the role of this variant in disease. Therefore, it has been classified as a Variant of Uncertain Significance. Advanced modeling of protein sequence and biophysical properties (such as structural, functional, and spatial information, amino acid conservation, physicochemical variation, residue mobility, and thermodynamic stability) performed at Invitae indicates that this missense variant is not expected to disrupt BRAF protein function. This variant has not been reported in the literature in individuals with BRAF-related conditions. ClinVar contains an entry for this variant (Variation ID: 180786).

GeneDx
Classification: Uncertain significance. Last evaluated: 2013-01-25. Review status: criteria provided, single submitter. Criteria: GeneDx Variant Classification (06012015). Collection method: clinical testing. Allele origin: germline. Affected: yes.
Comment: The S323P missense change in the BRAF gene has not been reported as a disease-causing mutation or as a benign polymorphism to our knowledge. The S323P amino acid substitution is non-conservative with a polar residue (Ser) being replaced by a non-polar residue (Pro). The NHLBI ESP Exome Variant Server reports that S323P was not observed in approximately 6,500 samples from individuals of European and African American backgrounds, indicating it is not a common benign variant in these populations. However, the residue at which this substitution occurs is only moderately conserved in the protein and is not located within a functional domain. The variant is found in NOONAN panel(s).

NM_004333.6(BRAF):c.967T>C (p.Ser323Pro)

Gene: BRAF (B-Raf proto-oncogene, serine/threonine kinase; minus strand). Cytogenetic location: 7q34.
Variant type: single nucleotide variant.
Coding change: c.967T>C on transcript NM_004333.6 (MANE Select); coding-DNA position 967, T replaced by C.
Protein change: p.Ser323Pro; replaces serine 323 with proline.
Molecular consequence: missense variant.
Genome position (GRCh38, 1-based): chr7:140,800,375, A>G on the plus strand (T>C on the coding strand, the complement: BRAF is on the minus strand). VCF-style: chr7-140800375-A-G. GRCh37 (hg19) VCF-style: chr7-140500175-A-G.
Other names: p.S323P:TCG>CCG; c.967T>C, p.Ser323Pro (NM_001354609.2, NM_001374244.1, NM_001374258.1 and 4 more transcripts); c.976T>C, p.Ser326Pro (NM_001378467.1); c.865T>C, p.Ser289Pro (NM_001378470.1); c.811T>C, p.Ser271Pro (NM_001378472.1, NM_001378473.1); c.703T>C, p.Ser235Pro (NM_001378475.1); short protein forms S323P, S235P, S271P, S289P, S326P.
Identifiers: ClinVar variation 180786 (VCV000180786.9), dbSNP rs730880414, ClinGen allele CA295908.